The following is an entry in ClinVar:

ClinVar aggregate classification (germline): Uncertain significance (1 of 4 stars; one submission).

Conditions:
COG7 congenital disorder of glycosylation (CDG2E). Also called: CDG IIe; CONGENITAL DISORDER OF GLYCOSYLATION, TYPE IIe. Identifiers: Orphanet 79333, MedGen C2931010, MONDO:0012118, OMIM 608779.

gnomAD v4.1: 1 of 1,614,076 alleles (0.000062%); highest among the groups gnomAD compares: Admixed American, 0.0017%; no homozygotes.

Submission:

Labcorp Genetics (formerly Invitae), Labcorp
Classification: Uncertain significance for COG7 congenital disorder of glycosylation. Last evaluated: 2025-04-16. Review status: criteria provided, single submitter. Criteria: Invitae Variant Classification Sherloc (09022015). Collection method: clinical testing. Allele origin: germline.
Comment: This sequence change replaces glutamic acid, which is acidic and polar, with glycine, which is neutral and non-polar, at codon 27 of the COG7 protein (p.Glu27Gly). This variant is not present in population databases (gnomAD no frequency). This variant has not been reported in the literature in individuals affected with COG7-related conditions. Invitae Evidence Modeling of protein sequence and biophysical properties (such as structural, functional, and spatial information, amino acid conservation, physicochemical variation, residue mobility, and thermodynamic stability) indicates that this missense variant is not expected to disrupt COG7 protein function with a negative predictive value of 80%. In summary, the available evidence is currently insufficient to determine the role of this variant in disease. Therefore, it has been classified as a Variant of Uncertain Significance.

NM_153603.4(COG7):c.80A>G (p.Glu27Gly)

Genes: COG7 (component of oligomeric golgi complex 7; minus strand), LOC130058658 (ATAC-STARR-seq lymphoblastoid active region 10580; plus strand). Cytogenetic location: 16p12.2.
Variant type: single nucleotide variant.
Coding change: c.80A>G on transcript NM_153603.4 (MANE Select); coding-DNA position 80, A replaced by G.
Protein change: p.Glu27Gly; replaces glutamic acid 27 with glycine.
Molecular consequence: missense variant.
Genome position (GRCh38, 1-based): chr16:23,452,915, T>C on the plus strand (A>G on the coding strand, the complement: COG7 is on the minus strand). VCF-style: chr16-23452915-T-C. GRCh37 (hg19) VCF-style: chr16-23464236-T-C.
Other names: short protein forms E27G.
Identifiers: ClinVar variation 4696249 (VCV004696249.1).